The following is an entry in ClinVar:

NM_001148.6(ANK2):c.10363G>T (p.Gly3455Trp)

Gene: ANK2 (ankyrin 2; plus strand). Cytogenetic location: 4q26.
Variant type: single nucleotide variant.
Coding change: c.10363G>T on transcript NM_001148.6 (MANE Select); coding-DNA position 10363, G replaced by T.
Protein change: p.Gly3455Trp; replaces glycine 3455 with tryptophan.
Molecular consequence: missense variant. On other transcripts: intron variant (68).
Genome position (GRCh38, 1-based): chr4:113,358,981, G>T. VCF-style: chr4-113358981-G-T. GRCh37 (hg19) VCF-style: chr4-114280137-G-T.
Other names: c.10129G>T, p.Gly3377Trp (NM_001386142.1); c.6763G>T, p.Gly2255Trp (NM_001386166.1); c.10504G>T, p.Gly3502Trp (NM_001386174.1); c.10480G>T, p.Gly3494Trp (NM_001386175.1); c.4412-1842G>T (NM_001386186.2, NM_001386148.2); c.4214-1842G>T (NM_001354269.3); c.4292-1842G>T (NM_001386187.2); c.4253-1842G>T (NM_001386147.1); and 35 more; short protein forms G2255W, G3377W, G3455W, G3494W, G3502W.
Identifiers: ClinVar variation 3390533 (VCV003390533.1).

ClinVar aggregate classification (germline): Uncertain significance (1 of 4 stars; one submission).

gnomAD v4.1: 7 of 1,614,078 alleles (0.00043%); highest among the groups gnomAD compares: East Asian, 0.0022%; no homozygotes.

Submission:

GeneDx
Classification: Uncertain significance. Last evaluated: 2024-06-16. Review status: criteria provided, single submitter. Criteria: GeneDx Variant Classification Process June 2021. Collection method: clinical testing. Allele origin: germline. Affected: yes.
Comment: Not observed at significant frequency in large population cohorts (gnomAD); In silico analysis supports that this missense variant has a deleterious effect on protein structure/function; Has not been previously published as pathogenic or benign to our knowledge; Located in exon 38, which is reported as being expressed in a brain-specific transcript (PMID: 1830053, 18790697, 26109584); This variant is associated with the following publications: (PMID: 1830053, 18790697, 26109584)